The following is an entry in ClinVar:

NM_022132.5(MCCC2):c.1131_1132del (p.Phe377_Ser378insTer)

Gene: MCCC2 (methylcrotonyl-CoA carboxylase subunit 2; plus strand). Cytogenetic location: 5q13.2.
Variant type: Deletion.
Coding change: c.1131_1132del on transcript NM_022132.5 (MANE Select); coding-DNA positions 1131 to 1132, 2 bases deleted (TT; older notation c.1131_1132delTT).
Protein change: p.Phe377_Ser378insTer.
Molecular consequence: frameshift variant.
Genome position (GRCh38, 1-based): chr5:71,643,877-71,643,878, TT deleted; deleting any 2 consecutive bases within chr5:71,643,875-71,643,878 gives the same sequence; the c. name uses the placement nearest the transcript's 3' end. VCF-style (leftmost placement, unchanged base first): chr5-71643874-CTT-C. GRCh37 (hg19) VCF-style: chr5-70939701-CTT-C.
Other names: c.1017_1018del, p.Phe339_Ser340insTer (NM_001363147.1).
Identifiers: ClinVar variation 2627306 (VCV002627306.1), dbSNP rs2530849457, ClinGen allele CA2582341581.

ClinVar aggregate classification (germline): Pathogenic (1 of 4 stars; one submission).

Conditions:
Methylcrotonyl-CoA carboxylase deficiency. Also called: 3 Methylcrotonylglycinuria; 3-MCC Deficiency; Deficiency of methylcrotonoyl-CoA carboxylase. Identifiers: Orphanet 6, MedGen C4551505, MONDO:0018950.

Submission:

Women's Health and Genetics/Laboratory Corporation of America, LabCorp
Classification: Pathogenic for Methylcrotonyl-CoA carboxylase deficiency. Last evaluated: 2023-09-22. Review status: criteria provided, single submitter. Criteria: LabCorp Variant Classification Summary - May 2015. Collection method: clinical testing. Allele origin: germline.
Comment: Variant summary: MCCC2 c.1131_1132delTT (p.Ser378X) results in a premature termination codon, predicted to cause a truncation of the encoded protein or absence of the protein due to nonsense mediated decay, which are commonly known mechanisms for disease. The variant was absent in 251404 control chromosomes. To our knowledge, no occurrence of c.1131_1132delTT in individuals affected with Methylcrotonyl-CoA Carboxylase Deficiency and no experimental evidence demonstrating its impact on protein function have been reported. No submitters have cited clinical-significance assessments for this variant to ClinVar after 2014. Based on the evidence outlined above, the variant was classified as pathogenic.